The following is an entry in ClinVar:

ClinVar aggregate classification (germline): Likely pathogenic (1 of 4 stars; one submission).

Conditions:
Neurodevelopmental disorder with hypotonia, language delay, and skeletal defects with or without seizures (NEDHLSS). Identifiers: MedGen C5774213, MONDO:0859286, OMIM 620029.

Submission:

Victorian Clinical Genetics Services, Murdoch Childrens Research Institute
Classification: Likely pathogenic for Neurodevelopmental disorder with hypotonia, language delay, and skeletal defects with or without seizures. Last evaluated: 2025-02-03. Review status: criteria provided, single submitter. Criteria: ACMG Guidelines, 2015. Collection method: clinical testing. Allele origin: germline. Affected: yes.
Comment: This variant is classified as Likely pathogenic. Evidence in support of pathogenic classification: Variant is absent from gnomAD (v2, v3 and v4); Missense variant predicted to be damaging by in silico tool(s) or highly conserved with a major amino acid change; Additional information: Variant is predicted to result in a missense amino acid change from glutamic acid to glutamine; This variant is heterozygous; This gene is associated with autosomal dominant disease; This variant has no previous evidence of pathogenicity; No published segregation evidence has been identified for this variant; No published functional evidence has been identified for this variant; No comparable missense variants have previous evidence for pathogenicity; Variant is located in the annotated ion transport protein domain (NCBI); Loss of function and gain of function are known mechanisms of disease in this gene. Loss of function variants are associated with neurodevelopmental disorder with hypotonia, language delay, and skeletal defects with or without seizures (MIM#620029) (PMID: 34163037). Gain of function missense variants result in loss of channel inactivation and increased current, and are associated with long QT syndrome 8 (MIM#618447) and Timothy syndrome (MIM#601005, PMID: 25260352); Variants in this gene are known to have variable expressivity. Parents with the same variant as their affected child have been observed to have a less severe phenotype (PMID: 34163037).

Literature cited by the submitters: PubMed 25260352; PubMed 34163037.

NM_000719.7(CACNA1C):c.517G>C (p.Glu173Gln)

Gene: CACNA1C (calcium voltage-gated channel subunit alpha1 C; plus strand). Cytogenetic location: 12p13.33.
Variant type: single nucleotide variant.
Coding change: c.517G>C on transcript NM_000719.7 (MANE Select); coding-DNA position 517, G replaced by C.
Protein change: p.Glu173Gln; replaces glutamic acid 173 with glutamine.
Molecular consequence: missense variant.
Genome position (GRCh38, 1-based): chr12:2,449,015, G>C. VCF-style: chr12-2449015-G-C. GRCh37 (hg19) VCF-style: chr12-2558181-G-C.
Other names: c.517G>C, p.Glu173Gln (NM_001129827.2, NM_001129829.2, NM_001129839.2 and 19 more transcripts); short protein forms E173Q.
Identifiers: ClinVar variation 4531392 (VCV004531392.1).